The following is an entry in ClinVar:

ClinVar aggregate classification (germline): Conflicting classifications of pathogenicity. Review status: criteria provided, conflicting classifications (1 of 4 stars). 2 submissions from 2 submitters: Uncertain significance (1); Likely benign (1). Last evaluated 2025-10-01.

Conditions:
Charcot-Marie-Tooth disease axonal type 2O. Also called: CHARCOT-MARIE-TOOTH NEUROPATHY, AXONAL, TYPE 2O; CHARCOT-MARIE-TOOTH DISEASE, AXONAL, AUTOSOMAL DOMINANT, TYPE 2O; Charcot-Marie-Tooth Neuropathy Type 2O; Charcot-Marie-Tooth disease, axonal, type 20. Identifiers: Orphanet 284232, MedGen C3280220, MONDO:0013644, OMIM 614228.

Allele frequency attached by ClinVar (database versions not stated): gnomAD exomes 0.00001 and 0.00003; ExAC 0.00006; ESP Exome Variant Server 0.00008; TOPMed 0.00009; gnomAD 0.00011 and 0.00012; 1000 Genomes Project 30x 0.00062; 1000 Genomes Project 0.00080.
gnomAD v4.1: 29 of 1,614,180 alleles (0.0018%); highest among the groups gnomAD compares: African/African-American, 0.029%; no homozygotes.

Submissions (2):

Labcorp Genetics (formerly Invitae), Labcorp
Classification: Likely benign for Charcot-Marie-Tooth disease axonal type 2O. Last evaluated: 2025-10-01. Review status: criteria provided, single submitter. Criteria: Invitae Variant Classification Sherloc (09022015). Collection method: clinical testing. Allele origin: germline.

GeneDx
Classification: Uncertain significance. Last evaluated: 2022-11-29. Review status: criteria provided, single submitter. Criteria: GeneDx Variant Classification Process June 2021. Collection method: clinical testing. Allele origin: germline. Affected: yes.
Comment: Has not been previously published as pathogenic or benign to our knowledge; In silico analysis suggests this variant may impact gene splicing. In the absence of RNA/functional studies, the actual effect of this sequence change is unknown.

NM_001376.5(DYNC1H1):c.13230C>T (p.Phe4410=)

Gene: DYNC1H1 (dynein cytoplasmic 1 heavy chain 1; plus strand). Cytogenetic location: 14q32.31.
Variant type: single nucleotide variant.
Coding change: c.13230C>T on transcript NM_001376.5 (MANE Select); coding-DNA position 13230, C replaced by T.
Protein change: p.Phe4410=; no amino-acid change (phenylalanine 4410 retained).
Molecular consequence: synonymous variant.
Genome position (GRCh38, 1-based): chr14:102,048,527, C>T. VCF-style: chr14-102048527-C-T. GRCh37 (hg19) VCF-style: chr14-102514864-C-T.
Identifiers: ClinVar variation 514938 (VCV000514938.11), dbSNP rs374578144, ClinGen allele CA7354190.